The following is an entry in ClinVar:

NM_144997.7(FLCN):c.1102G>A (p.Val368Ile)

Gene: FLCN (folliculin; minus strand). Cytogenetic location: 17p11.2.
Variant type: single nucleotide variant.
Coding change: c.1102G>A on transcript NM_144997.7 (MANE Select); coding-DNA position 1102, G replaced by A.
Protein change: p.Val368Ile; replaces valine 368 with isoleucine.
Molecular consequence: missense variant.
Genome position (GRCh38, 1-based): chr17:17,217,143, C>T on the plus strand (G>A on the coding strand, the complement: FLCN is on the minus strand). VCF-style: chr17-17217143-C-T. GRCh37 (hg19) VCF-style: chr17-17120457-C-T.
Other names: c.1102G>A (LRG_325t1, NM_144997.6); c.1156G>A, p.Val386Ile (NM_001353229.2); c.1102G>A, p.Val368Ile (NM_001353230.2, NM_001353231.2); short protein forms V368I, V386I.
Identifiers: ClinVar variation 652633 (VCV000652633.19), dbSNP rs767714543, ClinGen allele CA8416139.

ClinVar aggregate classification (germline): Conflicting classifications of pathogenicity. Review status: criteria provided, conflicting classifications (1 of 4 stars). 8 submissions from 8 submitters: Uncertain significance (7); Likely benign (1). Last evaluated 2026-06-18.

Conditions:
FLCN-related disorder. Also called: FLCN-related condition.
Hereditary cancer-predisposing syndrome. Also called: Neoplastic Syndromes, Hereditary; Tumor predisposition; Hereditary neoplastic syndrome; Hereditary Cancer Syndrome. Identifiers: Orphanet 140162, MedGen C0027672, MeSH D009386, MONDO:0015356.
Birt-Hogg-Dube syndrome 1 (BHD1). Also called: FIBROFOLLICULOMAS WITH TRICHODISCOMAS AND ACROCHORDONS. Identifiers: Orphanet 122, MedGen CN375946, MONDO:0800445, OMIM 135150.
Colorectal cancer. Also called: Malignant Colorectal Neoplasm; Colorectal cancer, somatic. Identifiers: MedGen C0346629, MONDO:0005575, OMIM 114500.
Nonpapillary renal cell carcinoma. Identifiers: Orphanet 422526, MedGen CN074294, MONDO:0007763, OMIM 144700.
Familial spontaneous pneumothorax (PSP). Identifiers: Orphanet 2903, MedGen C1868193, MONDO:0008259, OMIM 173600.
Birt-Hogg-Dube syndrome. Also called: Birt Hogg Dubé syndrome. Identifiers: Orphanet 122, MedGen C0346010, MONDO:0800444.

Allele frequency attached by ClinVar (database versions not stated): TOPMed 0.00001; ExAC 0.00002; gnomAD exomes 0.00002.
gnomAD v4.1: 12 of 1,614,104 alleles (0.00074%); highest among the groups gnomAD compares: Admixed American, 0.0017%; no homozygotes.

Submissions (8):

PreventionGenetics, part of Exact Sciences
Classification: Uncertain significance for FLCN-related condition. Last evaluated: 2026-06-18. Review status: criteria provided, single submitter. Criteria: ACMG Guidelines, 2015. Collection method: clinical testing. Allele origin: germline.
Comment: The FLCN c.1102G>A variant is predicted to result in the amino acid substitution p.Val368Ile. To our knowledge, this variant has not been reported in the literature. This variant is reported in 0.0029% of alleles in individuals of Latino descent in gnomAD. In ClinVar this variant has conflicting interpretations ranging from likely benign to uncertain (Variation ID: 652633). At this time, the clinical significance of this variant is uncertain due to the absence of conclusive functional and genetic evidence.

Quest Diagnostics Nichols Institute San Juan Capistrano
Classification: Uncertain significance. Last evaluated: 2025-08-12. Review status: criteria provided, single submitter. Criteria: Quest Diagnostics criteria. Collection method: clinical testing. Allele origin: unknown.
Comment: The FLCN c.1102G>A (p.Val368Ile) variant has not been reported in individuals with FLCN-related conditions in the published literature. The frequency of this variant in the general population (Genome Aggregation Database) is uninformative in the assessment of its pathogenicity. Analysis of this variant using bioinformatics tools for the prediction of the effect of amino acid changes on protein structure and function yielded conflicting predictions that this variant is benign or damaging. Based on the available information, we are unable to determine the clinical significance of this variant.

Labcorp Genetics (formerly Invitae), Labcorp
Classification: Uncertain significance for Birt-Hogg-Dube syndrome. Last evaluated: 2025-07-10. Review status: criteria provided, single submitter. Criteria: Invitae Variant Classification Sherloc (09022015). Collection method: clinical testing. Allele origin: germline.
Comment: This sequence change replaces valine, which is neutral and non-polar, with isoleucine, which is neutral and non-polar, at codon 368 of the FLCN protein (p.Val368Ile). This variant is present in population databases (rs767714543, gnomAD 0.003%). This variant has not been reported in the literature in individuals affected with FLCN-related conditions. ClinVar contains an entry for this variant (Variation ID: 652633). Invitae Evidence Modeling of protein sequence and biophysical properties (such as structural, functional, and spatial information, amino acid conservation, physicochemical variation, residue mobility, and thermodynamic stability) indicates that this missense variant is not expected to disrupt FLCN protein function with a negative predictive value of 80%. In summary, the available evidence is currently insufficient to determine the role of this variant in disease. Therefore, it has been classified as a Variant of Uncertain Significance.

ARUP Laboratories, Molecular Genetics and Genomics, ARUP Laboratories
Classification: Uncertain significance. Last evaluated: 2024-10-22. Review status: criteria provided, single submitter. Criteria: ARUP Molecular Germline Variant Investigation Process 2024. Collection method: clinical testing. Allele origin: germline.
Comment: The FLCN c.1102G>A; p.Val368Ile variant (rs767714543), to our knowledge, is not reported in the medical literature but is reported in ClinVar (Variation ID: 652633). This variant is only observed on four alleles in the Genome Aggregation Database (v2.1.1), indicating it is not a common polymorphism. Computational analyses are uncertain whether this variant is neutral or deleterious (REVEL: 0.351). Due to limited information, the clinical significance of this variant is uncertain at this time.

Fulgent Genetics
Classification: Uncertain significance for Colorectal cancer; Birt-Hogg-Dube syndrome 1; Nonpapillary renal cell carcinoma; Familial spontaneous pneumothorax. Last evaluated: 2024-02-14. Review status: criteria provided, single submitter. Criteria: ACMG Guidelines, 2015. Collection method: clinical testing. Allele origin: germline.

Baylor Genetics
Classification: Uncertain significance for Birt-Hogg-Dube syndrome 1. Last evaluated: 2023-06-16. Review status: criteria provided, single submitter. Criteria: ACMG Guidelines, 2015. Collection method: clinical testing. Allele origin: unknown.

GeneDx
Classification: Uncertain significance. Last evaluated: 2023-06-13. Review status: criteria provided, single submitter. Criteria: GeneDx Variant Classification Process June 2021. Collection method: clinical testing. Allele origin: germline. Affected: yes.
Comment: Not observed at significant frequency in large population cohorts (gnomAD); In silico analysis supports that this missense variant does not alter protein structure/function; Has not been previously published as pathogenic or benign to our knowledge; This variant is associated with the following publications: (PMID: 17028174, 32277576)

Ambry Genetics
Classification: Likely benign for Hereditary cancer-predisposing syndrome. Last evaluated: 2022-02-02. Review status: criteria provided, single submitter. Criteria: Ambry Variant Classification Scheme 2023. Collection method: clinical testing. Allele origin: germline.

Literature cited by the submitters: PubMed 33137092 (cited by Quest Diagnostics Nichols Institute San Juan Capistrano).